The following is an entry in ClinVar:

ClinVar aggregate classification (germline): Pathogenic (1 of 4 stars; one submission).

Conditions:
Tumor predisposition syndrome 3 (TPDS3). Also called: Melanoma, cutaneous malignant, susceptibility to, 10; Glioma susceptibility 9; LONG TELOMERE SYNDROME, POT1-RELATED; POT1 Tumor Predisposition. Identifiers: Orphanet 618, MedGen C4014476, MONDO:0014368, OMIM 615848.

gnomAD v4.1: 2 of 1,594,290 alleles (0.00013%); highest among the groups gnomAD compares: Non-Finnish European, 0.000086%; no homozygotes.

Submission:

Labcorp Genetics (formerly Invitae), Labcorp
Classification: Pathogenic for Tumor predisposition syndrome 3. Last evaluated: 2025-06-16. Review status: criteria provided, single submitter. Criteria: Invitae Variant Classification Sherloc (09022015). Collection method: clinical testing. Allele origin: germline.
Comment: This sequence change affects a donor splice site in intron 11 of the POT1 gene. RNA analysis indicates that disruption of this splice site induces altered splicing and may result in an absent or altered protein product. This variant is not present in population databases (gnomAD no frequency). This variant has not been reported in the literature in individuals affected with POT1-related conditions. ClinVar contains an entry for this variant (Variation ID: 3659509). Studies have shown that disruption of this splice site results in skipping of exon 11, and produces a non-functional protein and/or introduces a premature termination codon (internal data). For these reasons, this variant has been classified as Pathogenic.

NM_015450.3(POT1):c.949+1G>T

Gene: POT1 (protection of telomeres 1; minus strand). Cytogenetic location: 7q31.33.
Variant type: single nucleotide variant.
Coding change: c.949+1G>T on transcript NM_015450.3 (MANE Select); the canonical splice donor site of the intron after coding-DNA position 949, G replaced by T.
Molecular consequence: splice donor variant.
Genome position (GRCh38, 1-based): chr7:124,851,871, C>A on the plus strand (G>T on the coding strand, the complement: POT1 is on the minus strand). VCF-style: chr7-124851871-C-A. GRCh37 (hg19) VCF-style: chr7-124491925-C-A.
Other names: c.556+1G>T (NM_001042594.2).
Identifiers: ClinVar variation 3659509 (VCV003659509.2).